The following is an entry in ClinVar:

NM_000179.3(MSH6):c.3823_3828del (p.Cys1275_Glu1276del)

Gene: MSH6 (mutS homolog 6; plus strand). Cytogenetic location: 2p16.3.
Variant type: Deletion.
Coding change: c.3823_3828del on transcript NM_000179.3 (MANE Select); coding-DNA positions 3823 to 3828, 6 bases deleted (TGTGAA; older notation c.3823_3828delTGTGAA).
Protein change: p.Cys1275_Glu1276del.
Molecular consequence: inframe deletion.
Genome position (GRCh38, 1-based): chr2:47,806,473-47,806,478, TGTGAA deleted; deleting any 6 consecutive bases within chr2:47,806,469-47,806,478 gives the same sequence; the c. name uses the placement nearest the transcript's 3' end. VCF-style (leftmost placement, unchanged base first): chr2-47806468-ATGAATG-A. GRCh37 (hg19) VCF-style: chr2-48033607-ATGAATG-A.
Other names: c.3823_3828delTGTGAA (NM_000179.2); c.3433_3438del, p.Cys1145_Glu1146del (NM_001281492.2); c.2917_2922del, p.Cys973_Glu974del (NM_001281493.2, NM_001281494.2).
Identifiers: ClinVar variation 579167 (VCV000579167.12), dbSNP rs1558393107, ClinGen allele CA891843282.
Genomic context (GRCh38, chr2:47,806,468, plus strand): 5'-TTCTCTTGCTAGCACATGTATCGCTAATATTTTTCTTTCTTAAGGCATGCATGGTAGAAA[ATGAATG>A]TGAAGACCCCAGCCAGGAGACTATTACGTTCCTCTATAAATTCATTAAGGGAGCTTGTCC-3'

ClinVar aggregate classification (germline): Uncertain significance. Review status: criteria provided, multiple submitters, no conflicts (2 of 4 stars). 2 submissions from 2 submitters: Uncertain significance (2). Last evaluated 2024-02-22.

Conditions:
Hereditary nonpolyposis colorectal neoplasms. Identifiers: MedGen C0009405, MeSH D003123.
Endometrial carcinoma. Also called: Endometrial carcinoma, somatic. Identifiers: MedGen C0476089, MONDO:0002447, OMIM 608089, HP:0012114.

Submissions (2):

Baylor Genetics
Classification: Uncertain significance for Endometrial carcinoma. Last evaluated: 2024-02-22. Review status: criteria provided, single submitter. Criteria: ACMG Guidelines, 2015. Collection method: clinical testing. Allele origin: unknown.

Labcorp Genetics (formerly Invitae), Labcorp
Classification: Uncertain significance for Hereditary nonpolyposis colorectal neoplasms. Last evaluated: 2023-04-28. Review status: criteria provided, single submitter. Criteria: Invitae Variant Classification Sherloc (09022015). Collection method: clinical testing. Allele origin: germline.
Comment: In summary, the available evidence is currently insufficient to determine the role of this variant in disease. Therefore, it has been classified as a Variant of Uncertain Significance. Experimental studies and prediction algorithms are not available or were not evaluated, and the functional significance of this variant is currently unknown. ClinVar contains an entry for this variant (Variation ID: 579167). This variant has not been reported in the literature in individuals affected with MSH6-related conditions. This variant is not present in population databases (gnomAD no frequency). This variant, c.3823_3828del, results in the deletion of 2 amino acid(s) of the MSH6 protein (p.Cys1275_Glu1276del), but otherwise preserves the integrity of the reading frame.